The following is an entry in ClinVar:

NM_001297654.2(DDR1):c.2602-4G>A

Gene: DDR1 (discoidin domain receptor tyrosine kinase 1; plus strand). Cytogenetic location: 6p21.33.
Variant type: single nucleotide variant.
Coding change: c.2602-4G>A on transcript NM_001297654.2 (MANE Select); 4 bases into the intron before coding-DNA position 2602, G replaced by A.
Molecular consequence: intron variant.
Genome position (GRCh38, 1-based): chr6:30,899,152, G>A. VCF-style: chr6-30899152-G-A. GRCh37 (hg19) VCF-style: chr6-30866929-G-A.
Other names: c.2491-4G>A (NM_001387909.1, NM_001387908.1, NM_001387911.1 and 12 more transcripts); c.2602-4G>A (NM_001387893.1, NM_001387901.1, NM_001387899.1 and 10 more transcripts); c.2620-4G>A (NM_001387892.1, NM_013994.3); c.2509-4G>A (NM_001387905.1, NM_001387907.1, NM_001387906.1); c.2545-4G>A (NM_001410869.1); c.*719-4G>A (NM_001202521.1); c.2164-4G>A (NM_001202522.1).
Identifiers: ClinVar variation 3024726 (VCV003024726.22), dbSNP rs115029731, ClinGen allele CA3704931.

ClinVar aggregate classification (germline): Benign (1 of 4 stars; one submission).

Allele frequency attached by ClinVar (database versions not stated): 1000 Genomes Project 0.00479; 1000 Genomes Project 30x 0.00500; ExAC 0.00781; gnomAD 0.00826; TOPMed 0.00833; ESP Exome Variant Server 0.00953; gnomAD exomes 0.01157.
gnomAD v4.1: 18,098 of 1,614,216 alleles (1.1%); highest among the groups gnomAD compares: Non-Finnish European, 1.3%; 140 homozygotes.

Submission:

CeGaT Center for Human Genetics Tuebingen
Classification: Benign. Last evaluated: 2024-02-01. Review status: criteria provided, single submitter. Criteria: CeGaT Center For Human Genetics Tuebingen Variant Classification Criteria Version 2. Collection method: clinical testing. Allele origin: germline. Affected: yes. Observed: 1 variant allele.
Comment: DDR1: BP4, BS1, BS2